The following is an entry in ClinVar:

ClinVar aggregate classification (germline): Benign/Likely benign. Review status: criteria provided, multiple submitters, no conflicts (2 of 4 stars). 2 submissions from 2 submitters: Benign (1); Likely benign (1). Last evaluated 2025-07-15.

Allele frequency attached by ClinVar (database versions not stated): TOPMed 0.00003; gnomAD 0.00005; ExAC 0.00008; gnomAD exomes 0.00010.
gnomAD v4.1: 113 of 1,205,768 alleles (0.0094%); highest among the groups gnomAD compares: Non-Finnish European, 0.012%; no homozygotes.

Submissions (2):

Labcorp Genetics (formerly Invitae), Labcorp
Classification: Benign. Last evaluated: 2025-07-15. Review status: criteria provided, single submitter. Criteria: Invitae Variant Classification Sherloc (09022015). Collection method: clinical testing. Allele origin: germline.

CeGaT Center for Human Genetics Tuebingen
Classification: Likely benign. Last evaluated: 2024-07-01. Review status: criteria provided, single submitter. Criteria: CeGaT Center For Human Genetics Tuebingen Variant Classification Criteria Version 2. Collection method: clinical testing. Allele origin: germline. Affected: yes. Observed: 1 variant allele.
Comment: IL1RAPL1: BS2

NM_014271.4(IL1RAPL1):c.11C>T (p.Pro4Leu)

Gene: IL1RAPL1 (interleukin 1 receptor accessory protein like 1; plus strand). Cytogenetic location: Xp21.3.
Variant type: single nucleotide variant.
Coding change: c.11C>T on transcript NM_014271.4 (MANE Select); coding-DNA position 11, C replaced by T.
Protein change: p.Pro4Leu; replaces proline 4 with leucine.
Molecular consequence: missense variant.
Genome position (GRCh38, 1-based): chrX:28,789,354, C>T. VCF-style: chrX-28789354-C-T. GRCh37 (hg19) VCF-style: chrX-28807471-C-T.
Other names: short protein forms P4L.
Identifiers: ClinVar variation 2056458 (VCV002056458.21), dbSNP rs773334103, ClinGen allele CA10375350.